The following is an entry in ClinVar:

ClinVar aggregate classification (germline): Uncertain significance. Review status: criteria provided, multiple submitters, no conflicts (2 of 4 stars). 7 submissions from 7 submitters: Uncertain significance (7). Last evaluated 2026-02-01.

Conditions:
Cardiovascular phenotype. Identifiers: MedGen CN230736.
Arrhythmogenic right ventricular dysplasia 8 (ARVD8). Also called: ARRHYTHMOGENIC RIGHT VENTRICULAR DYSPLASIA, FAMILIAL, 8; ARRHYTHMOGENIC RIGHT VENTRICULAR CARDIOMYOPATHY 8; Arrhythmogenic Right Ventricular Dysplasia/Cardiomyopathy 8. Identifiers: MedGen C1843896, MONDO:0011831, OMIM 607450.
Arrhythmogenic cardiomyopathy with wooly hair and keratoderma. Also called: Arrhythmogenic cardiomyopathy with woolly hair and keratoderma; Carvajal syndrome; Dilated cardiomyopathy with woolly hair and keratoderma; PALMOPLANTAR KERATODERMA WITH LEFT VENTRICULAR CARDIOMYOPATHY AND WOOLLY HAIR. Identifiers: Orphanet 65282, MedGen C1854063, MONDO:0011581, OMIM 605676.
Cardiomyopathy (CMYO). Also called: Cardiomyopathies. Identifiers: Orphanet 167848, MedGen C0878544, MONDO:0004994, HP:0001638. Inheritance: Various modes of inheritance.

Submissions (7):

Labcorp Genetics (formerly Invitae), Labcorp
Classification: Uncertain significance for Arrhythmogenic cardiomyopathy with wooly hair and keratoderma; Arrhythmogenic right ventricular dysplasia 8. Last evaluated: 2026-02-01. Review status: criteria provided, single submitter. Criteria: Invitae Variant Classification Sherloc (09022015). Collection method: clinical testing. Allele origin: germline.
Comment: This variant, c.5167_5169del, results in the deletion of 1 amino acid(s) of the DSP protein (p.Glu1723del), but otherwise preserves the integrity of the reading frame. This variant is present in population databases (rs730880091, gnomAD 0.01%). This variant has not been reported in the literature in individuals affected with DSP-related conditions. ClinVar contains an entry for this variant (Variation ID: 199944). Experimental studies and prediction algorithms are not available or were not evaluated, and the functional significance of this variant is currently unknown. In summary, the available evidence is currently insufficient to determine the role of this variant in disease. Therefore, it has been classified as a Variant of Uncertain Significance.

Women's Health and Genetics/Laboratory Corporation of America, LabCorp
Classification: Uncertain significance. Last evaluated: 2024-10-07. Review status: criteria provided, single submitter. Criteria: LabCorp Variant Classification Summary - May 2015. Collection method: clinical testing. Allele origin: germline.
Comment: Variant summary: DSP c.5167_5169delGAA (p.Glu1723del) results in an in-frame deletion that is predicted to remove one amino acid from the encoded protein. The variant allele was found at a frequency of 4.4e-05 in 251270 control chromosomes. This frequency is not significantly higher than estimated for a pathogenic variant in DSP causing Arrhythmogenic Right Ventricular Dysplasia/Cardiomyopathy (4.4e-05 vs 0.0002), allowing no conclusion about variant significance. To our knowledge, no occurrence of c.5167_5169delGAA in individuals affected with Arrhythmogenic Right Ventricular Dysplasia/Cardiomyopathy and no experimental evidence demonstrating its impact on protein function have been reported. ClinVar contains an entry for this variant (Variation ID: 199944). Based on the evidence outlined above, the variant was classified as uncertain significance.

Blueprint Genetics
Classification: Uncertain significance. Last evaluated: 2024-07-31. Review status: criteria provided, single submitter. Criteria: ACMG Guidelines, 2015. Collection method: clinical testing. Allele origin: germline.

GeneDx
Classification: Uncertain significance. Last evaluated: 2024-07-25. Review status: criteria provided, single submitter. Criteria: GeneDx Variant Classification Process June 2021. Collection method: clinical testing. Allele origin: germline. Affected: yes.
Comment: Has not been previously published as pathogenic or benign to our knowledge; In-frame deletion of 1 amino acid in a non-repeat region; In silico analysis supports a deleterious effect on protein structure/function

Ambry Genetics
Classification: Uncertain significance for Cardiovascular phenotype. Last evaluated: 2024-05-07. Review status: criteria provided, single submitter. Criteria: Ambry Variant Classification Scheme 2023. Collection method: clinical testing. Allele origin: germline.
Comment: The c.5167_5169delGAA variant (also known as p.E1723del) is located in coding exon 23 of the DSP gene. This variant results from an in-frame GAA deletion at nucleotide positions 5167 to 5169. This results in the in-frame deletion of a glutamic acid at codon 1723. This amino acid position is highly conserved in available vertebrate species. In addition, this alteration is predicted to be deleterious by in silico analysis (Choi Y et al. PLoS ONE. 2012; 7(10):e46688). Based on the available evidence, the clinical significance of this variant remains unclear.

Color Diagnostics, LLC DBA Color Health
Classification: Uncertain significance for Cardiomyopathy. Last evaluated: 2024-04-23. Review status: criteria provided, single submitter. Criteria: ACMG Guidelines, 2015. Collection method: clinical testing. Allele origin: germline.
Comment: This variant causes a deletion of one amino acid in the DSP protein. To our knowledge, functional studies have not been reported for this variant. This variant has not been reported in individuals affected with cardiovascular disorders in the literature. This variant has been identified in 13/282666 chromosomes in the general population by the Genome Aggregation Database (gnomAD). The available evidence is insufficient to determine the role of this variant in disease conclusively. Therefore, this variant is classified as a Variant of Uncertain Significance.

Laboratory for Molecular Medicine, Mass General Brigham Personalized Medicine
Classification: Uncertain significance. Last evaluated: 2015-04-14. Review status: criteria provided, single submitter. Criteria: LMM Criteria. Collection method: clinical testing. Allele origin: germline. Observed: 1 variant allele.
Comment: The p.Glu1721[2] variant in DSP has not been previously reported in individuals with cardiomyopathy, but has been identified in 2/66410 European chromosomes by the Exome Aggregation Consortium (ExAC). This va riant deletes one of 3 glutamic acid residues (first unit at positions 1721-1723 ). It is unclear if this change will have an impact on protein function. In summ ary, the clinical significance of the p.Glu1721[2] variant is uncertain.

NM_004415.4(DSP):c.5161GAA[2] (p.Glu1723del)

Gene: DSP (desmoplakin; plus strand). Cytogenetic location: 6p24.3.
Variant type: Microsatellite.
Coding change: c.5161GAA[2] on transcript NM_004415.4 (MANE Select); two copies in a row of the 3-base unit GAA starting at c.5161; the reference has three copies in a row; one copy, 3 bases deleted; also written c.5167_5169del.
Protein change: p.Glu1723del; deletes glutamic acid 1723.
Molecular consequence: inframe deletion. On other transcripts: intron variant (2).
Genome position (GRCh38, 1-based): chr6:7,581,357-7,581,359, GAA deleted; deleting any 3 consecutive bases within chr6:7,581,350-7,581,359 gives the same sequence; the position shown is the placement nearest the transcript's 3' end. VCF-style (leftmost placement, unchanged base first): chr6-7581349-TAGA-T. GRCh37 (hg19) VCF-style: chr6-7581582-TAGA-T.
Other names: c.5167_5169del (NM_004415.2, NM_004415.4); c.4050+1110AGA[2] (NM_001319034.2); c.3583-1292AGA[2] (NM_001008844.3); c.5167_5169delGAA (NM_004415.4); short protein forms E1723del.
Identifiers: ClinVar variation 199944 (VCV000199944.25), dbSNP rs730880091, ClinGen allele CA004627.